The following is an entry in ClinVar:

NM_001999.4(FBN2):c.2095+5G>A

Gene: FBN2 (fibrillin 2; minus strand). Cytogenetic location: 5q23.3.
Variant type: single nucleotide variant.
Coding change: c.2095+5G>A on transcript NM_001999.4 (MANE Select); 5 bases into the intron after coding-DNA position 2095, G replaced by A.
Molecular consequence: intron variant.
Genome position (GRCh38, 1-based): chr5:128,374,623, C>T on the plus strand (G>A on the coding strand, the complement: FBN2 is on the minus strand). VCF-style: chr5-128374623-C-T. GRCh37 (hg19) VCF-style: chr5-127710316-C-T.
Identifiers: ClinVar variation 1361783 (VCV001361783.6), dbSNP rs2126954577, ClinGen allele CA2573139026.

ClinVar aggregate classification (germline): Uncertain significance (1 of 4 stars; one submission).

Conditions:
Congenital contractural arachnodactyly (CCA). Also called: BEALS SYNDROME; Beals-Hecht syndrome; Arthrogryposis, distal, type 9. Identifiers: Orphanet 115, MedGen C0220668, MONDO:0007363, OMIM 121050.

Allele frequency attached by ClinVar (database versions not stated): gnomAD exomes below 0.00001.
gnomAD v4.1: 1 of 1,613,892 alleles (0.000062%); highest among the groups gnomAD compares: Non-Finnish European, 0.000085%; no homozygotes.

Submission:

Labcorp Genetics (formerly Invitae), Labcorp
Classification: Uncertain significance for Congenital contractural arachnodactyly. Last evaluated: 2021-06-16. Review status: criteria provided, single submitter. Criteria: Invitae Variant Classification Sherloc (09022015). Collection method: clinical testing. Allele origin: germline.
Comment: In summary, the available evidence is currently insufficient to determine the role of this variant in disease. Therefore, it has been classified as a Variant of Uncertain Significance. Nucleotide substitutions within the consensus splice site are a relatively common cause of aberrant splicing (PMID: 17576681, 9536098). Algorithms developed to predict the effect of sequence changes on RNA splicing suggest that this variant may disrupt the consensus splice site, but this prediction has not been confirmed by published transcriptional studies. This variant has not been reported in the literature in individuals with FBN2-related conditions. This variant is not present in population databases (ExAC no frequency). This sequence change falls in intron 15 of the FBN2 gene. It does not directly change the encoded amino acid sequence of the FBN2 protein. It affects a nucleotide within the consensus splice site of the intron.

Literature cited by the submitters: PubMed 17576681; PubMed 9536098.